The following is an entry in ClinVar:

STAT3:c.1601-72_1601-71del

Gene: STAT3 (signal transducer and activator of transcription 3; minus strand). Cytogenetic location: 17q21.2.
Variant type: Microsatellite.
Molecular consequence: intron variant (on NM_139276.3).
Genome position: GRCh38 VCF-style: chr17-42323695-AAC-A. GRCh37 (hg19) VCF-style: chr17-40475713-AAC-A.
Other names: c.1505-80GT[4] (NM_001384989.1); c.1541-80GT[4] (NM_001384992.1); c.1517-80GT[4] (NM_001384984.1); c.1601-80GT[4] (NM_001369519.1, NM_003150.4, NM_001369517.1 and 11 more transcripts); c.1523-80GT[4] (NM_001384985.1); c.1580-80GT[4] (NM_001384987.1); c.1616-80GT[4] (NM_001384986.1, NM_001384990.1).
Identifiers: ClinVar variation 36786 (VCV000036786.6), dbSNP rs149538586, ClinGen allele CA260538.

ClinVar aggregate classification (germline): Conflicting classifications of pathogenicity. Review status: criteria provided, conflicting classifications (1 of 4 stars). 2 submissions from 2 submitters: Uncertain significance (1); Likely benign (1). Last evaluated 2020-04-13.

Conditions:
Hyper-IgE recurrent infection syndrome 1, autosomal dominant. Also called: Job's Syndrome; STAT3 Hyper IgE Syndrome; HYPER-IgE SYNDROME 1, AUTOSOMAL DOMINANT, WITH RECURRENT INFECTIONS; JOB SYNDROME; Hyper-IgE recurrent infection syndrome 1. Identifiers: Orphanet 2314, MedGen C2936739, MONDO:0007818, OMIM 147060.

Submissions (2):

GeneDx
Classification: Likely benign. Last evaluated: 2020-04-13. Review status: criteria provided, single submitter. Criteria: GeneDx Variant Classification Process June 2021. Collection method: clinical testing. Allele origin: germline. Affected: yes.

Women's Health and Genetics/Laboratory Corporation of America, LabCorp
Classification: Uncertain significance for Hyper IgE Syndrome. Last evaluated: 2011-08-18. Review status: criteria provided, single submitter. Criteria: LabCorp Variant Classification Summary - May 2015. Collection method: curation. Allele origin: germline. Inheritance: autosomal unknown. Affected: yes.
ClinVar note: Converted during submission from uncertain to Uncertain significance.